The following is an entry in ClinVar:

NM_001348768.2(HECW2):c.4435C>T (p.Arg1479Trp)

Gene: HECW2 (HECT, C2 and WW domain containing E3 ubiquitin protein ligase 2; minus strand). Cytogenetic location: 2q32.3.
Variant type: single nucleotide variant.
Coding change: c.4435C>T on transcript NM_001348768.2 (MANE Select); coding-DNA position 4435, C replaced by T.
Protein change: p.Arg1479Trp; replaces arginine 1479 with tryptophan.
Molecular consequence: missense variant.
Genome position (GRCh38, 1-based): chr2:196,217,067, G>A on the plus strand (C>T on the coding strand, the complement: HECW2 is on the minus strand). VCF-style: chr2-196217067-G-A. GRCh37 (hg19) VCF-style: chr2-197081791-G-A.
Other names: c.3367C>T, p.Arg1123Trp (NM_001304840.3); c.4435C>T, p.Arg1479Trp (NM_020760.4); short protein forms R1123W, R1479W.
Identifiers: ClinVar variation 3026128 (VCV003026128.22), dbSNP rs766697827, ClinGen allele CA2037510.

ClinVar aggregate classification (germline): Likely benign (1 of 4 stars; one submission).

Allele frequency attached by ClinVar (database versions not stated): ExAC 0.00001; gnomAD exomes 0.00002; gnomAD 0.00003; TOPMed 0.00003.
gnomAD v4.1: 28 of 1,574,618 alleles (0.0018%); highest among the groups gnomAD compares: East Asian, 0.0024%; no homozygotes.

Submission:

CeGaT Center for Human Genetics Tuebingen
Classification: Likely benign. Last evaluated: 2024-02-01. Review status: criteria provided, single submitter. Criteria: CeGaT Center For Human Genetics Tuebingen Variant Classification Criteria Version 2. Collection method: clinical testing. Allele origin: germline. Affected: yes. Observed: 1 variant allele.
Comment: HECW2: PM5, BS2